The following is an entry in ClinVar:

NM_130839.5(UBE3A):c.2538del (p.Pro847fs)

Genes: SNHG14 (small nucleolar RNA host gene 14; plus strand), UBE3A (ubiquitin protein ligase E3A; minus strand). Cytogenetic location: 15q11.2.
Variant type: Deletion.
Coding change: c.2538del on transcript NM_130839.5 (MANE Select); coding-DNA position 2538, one base deleted (T; older notation c.2538delT).
Protein change: p.Pro847fs; shifts the reading frame from proline 847.
Molecular consequence: frameshift variant. On other transcripts: non-coding transcript variant (1).
Genome position (GRCh38, 1-based): chr15:25,339,218, A deleted on the plus strand (T on the coding strand, the reverse complement: UBE3A is on the minus strand); the first of 2 consecutive A bases (chr15:25,339,218-25,339,219); deleting either gives the same sequence. VCF-style (leftmost placement, unchanged base first): chr15-25339217-GA-G. GRCh37 (hg19) VCF-style: chr15-25584364-GA-G.
Other names: c.2547del, p.Pro850fs (NM_000462.5); c.2538del, p.Pro847fs (NM_001354505.1, NM_001354538.2); c.2478del, p.Pro827fs (NM_001354506.2, NM_001354507.2, NM_001354508.2 and 14 more transcripts); c.2382del, p.Pro795fs (NM_001354545.2); c.2361del, p.Pro788fs (NM_001354546.2); c.2322del, p.Pro775fs (NM_001354547.2, NM_001354548.2); c.2313del, p.Pro772fs (NM_001354549.2); c.1287del, p.Pro430fs (NM_001354550.2); and 1 more; short protein forms P772fs, P795fs, P847fs, P410fs, P775fs, P827fs, P788fs, P850fs.
Identifiers: ClinVar variation 155979 (VCV000155979.1), dbSNP rs587781227, ClinGen allele CA333358.
Genomic context (GRCh38, chr15:25,339,217, plus strand): 5'-TGGCATACGTGATGGCCTTCAACAATCTCTCTTTAAGTTTTTCTTTGCTTGAGTATTCCG[GA>G]AGTAAAAGCACATTAAAGCAAGTATGAGATGTAGGTAACCTAAATAGAGAAAAGGGGAAA-3'

ClinVar aggregate classification (germline): Pathogenic (0 of 4 stars; one submission).

Conditions:
Angelman syndrome (AS). Also called: HAPPY PUPPET SYNDROME. Identifiers: Orphanet 72, MedGen C0162635, MONDO:0007113, OMIM 105830. Disease mechanism: loss of function. Inheritance: AS is caused by disruption of maternally imprinted UBE3A located within the 15q11.2-q13 Angelman syndrome/Prader-Willi syndrome (AS/PWS) region., imprinting disorder.

Submission:

Baylor Genetics
Classification: Pathogenic for Angelman Syndrome. Last evaluated: 2014-02-14. Review status: no assertion criteria provided. Collection method: clinical testing. Allele origin: germline. Affected: yes. Observed: 1 variant allele. Study: UBE3A Mutation Study.
Comment: Data collected from clinical UBE3A sequence analysis results

Literature cited by the submitters: PubMed 25212744.